The following is an entry in ClinVar:

ClinVar aggregate classification (germline): Likely benign. Review status: criteria provided, multiple submitters, no conflicts (2 of 4 stars). 2 submissions from 2 submitters: Likely benign (2). Last evaluated 2025-05-01.

gnomAD v4.1: 47 of 873,672 alleles (0.0054%); highest among the groups gnomAD compares: African/African-American, 0.024%; no homozygotes.

Submissions (2):

CeGaT Center for Human Genetics Tuebingen
Classification: Likely benign. Last evaluated: 2025-05-01. Review status: criteria provided, single submitter. Criteria: CeGaT Center For Human Genetics Tuebingen Variant Classification Criteria Version 2. Collection method: clinical testing. Allele origin: germline. Affected: yes. Observed: 1 variant allele.
Comment: ANTXR1: BP4, BP7

Blueprint Genetics
Classification: Likely benign. Last evaluated: 2024-11-01. Review status: criteria provided, single submitter. Criteria: ACMG Guidelines, 2015. Collection method: clinical testing. Allele origin: germline.

NM_032208.3(ANTXR1):c.1602G>A (p.Pro534=)

Gene: ANTXR1 (ANTXR cell adhesion molecule 1; plus strand). Cytogenetic location: 2p13.3.
Variant type: single nucleotide variant.
Coding change: c.1602G>A on transcript NM_032208.3 (MANE Select); coding-DNA position 1602, G replaced by A.
Protein change: p.Pro534=; no amino-acid change (proline 534 retained).
Molecular consequence: synonymous variant.
Genome position (GRCh38, 1-based): chr2:69,245,392, G>A. VCF-style: chr2-69245392-G-A. GRCh37 (hg19) VCF-style: chr2-69472524-G-A.
Identifiers: ClinVar variation 3904967 (VCV003904967.11).